The following is an entry in ClinVar:

NM_173560.4(RFX6):c.2053A>G (p.Ile685Val)

Gene: RFX6 (regulatory factor X6; plus strand). Cytogenetic location: 6q22.1.
Variant type: single nucleotide variant.
Coding change: c.2053A>G on transcript NM_173560.4 (MANE Select); coding-DNA position 2053, A replaced by G.
Protein change: p.Ile685Val; replaces isoleucine 685 with valine.
Molecular consequence: missense variant.
Genome position (GRCh38, 1-based): chr6:116,927,194, A>G. VCF-style: chr6-116927194-A-G. GRCh37 (hg19) VCF-style: chr6-117248357-A-G.
Other names: c.2053A>G (NM_173560.3); short protein forms I685V.
Identifiers: ClinVar variation 1896953 (VCV001896953.3), dbSNP rs369719975, ClinGen allele CA3973471.

ClinVar aggregate classification (germline): Uncertain significance. Review status: criteria provided, multiple submitters, no conflicts (2 of 4 stars). 2 submissions from 2 submitters: Uncertain significance (2). Last evaluated 2025-11-11.

Conditions:
Inborn genetic diseases. Identifiers: MedGen C0950123, MeSH D030342.

Allele frequency attached by ClinVar (database versions not stated): gnomAD exomes 0.00001; ESP Exome Variant Server 0.00015; ExAC 0.00002; gnomAD 0.00009; TOPMed 0.00009.
gnomAD v4.1: 35 of 1,614,170 alleles (0.0022%); highest among the groups gnomAD compares: African/African-American, 0.037%; no homozygotes.

Submissions (2):

Ambry Genetics
Classification: Uncertain significance for Inborn genetic diseases. Last evaluated: 2025-11-11. Review status: criteria provided, single submitter. Criteria: Ambry Variant Classification Scheme 2023. Collection method: clinical testing. Allele origin: germline.

Labcorp Genetics (formerly Invitae), Labcorp
Classification: Uncertain significance. Last evaluated: 2022-04-19. Review status: criteria provided, single submitter. Criteria: Invitae Variant Classification Sherloc (09022015). Collection method: clinical testing. Allele origin: germline.
Comment: This sequence change replaces isoleucine, which is neutral and non-polar, with valine, which is neutral and non-polar, at codon 685 of the RFX6 protein (p.Ile685Val). This variant is present in population databases (rs369719975, gnomAD 0.02%). This variant has not been reported in the literature in individuals affected with RFX6-related conditions. Algorithms developed to predict the effect of missense changes on protein structure and function output the following: SIFT: "Tolerated"; PolyPhen-2: "Benign"; Align-GVGD: "Class C0". The valine amino acid residue is found in multiple mammalian species, which suggests that this missense change does not adversely affect protein function. In summary, the available evidence is currently insufficient to determine the role of this variant in disease. Therefore, it has been classified as a Variant of Uncertain Significance.